The following is an entry in ClinVar:

NM_015178.3(RHOBTB2):c.610A>T (p.Ile204Phe)

Gene: RHOBTB2 (Rho related BTB domain containing 2; plus strand). Cytogenetic location: 8p21.3.
Variant type: single nucleotide variant.
Coding change: c.610A>T on transcript NM_015178.3 (MANE Select); coding-DNA position 610, A replaced by T.
Protein change: p.Ile204Phe; replaces isoleucine 204 with phenylalanine.
Molecular consequence: missense variant.
Genome position (GRCh38, 1-based): chr8:23,006,855, A>T. VCF-style: chr8-23006855-A-T. GRCh37 (hg19) VCF-style: chr8-22864368-A-T.
Other names: c.676A>T, p.Ile226Phe (NM_001160036.2); c.631A>T, p.Ile211Phe (NM_001160037.2); c.610A>T, p.Ile204Phe (NM_001374791.1); short protein forms I204F, I211F, I226F.
Identifiers: ClinVar variation 3362271 (VCV003362271.3).
Genomic context (GRCh38, chr8:23,006,855, plus strand): 5'-CCCTACTATGAGACCAGCGTGGTGGCCCAGTTCGGCATCAAGGACGTCTTTGACAACGCC[A>T]TCCGAGCTGCACTCATCTCCCGCCGCCACCTGCAGTTCTGGAAGTCCCACCTCCGCAATG-3'
Protein context (NP_055993.2, residues 194-214): FGIKDVFDNA[Ile204Phe]RAALISRRHL

ClinVar aggregate classification (germline): Uncertain significance (1 of 4 stars; one submission).

Conditions:
Developmental and epileptic encephalopathy, 64. Also called: EPILEPTIC ENCEPHALOPATHY, EARLY INFANTILE, 64. Identifiers: MedGen C4693899, MONDO:0033373, OMIM 618004.

gnomAD v4.1: 1 of 1,614,116 alleles (0.000062%); highest among the groups gnomAD compares: East Asian, 0.0022%; no homozygotes.

Submission:

Neuberg Centre For Genomic Medicine, NCGM
Classification: Uncertain significance for Developmental and epileptic encephalopathy, 64. Last evaluated: 2023-06-02. Review status: criteria provided, single submitter. Criteria: ACMG Guidelines, 2015. Collection method: clinical testing. Allele origin: germline. Inheritance: Autosomal dominant inheritance. Affected: yes.
Comment: The observed missense variant c.610A>T(p.Ile204Phe) in the RHOBTB2 gene has not been reported previously as a pathogenic variant nor as a benign variant, to our knowledge. This variant absent in the gnomAD Exomes. The amino acid Ileucine at position 204 is changed to a Phenylalanine changing protein sequence and it might alter its composition and physico-chemical properties. Multiple lines of computational evidence (Polyphen - Damaging, SIFT - Damaging and MutationTaster - Disease causing) predict a damaging effect on protein structure and function for this variant. The residue is conserved by GERP++ and PhyloP across 100 vertebrates. For these reasons, this variant has been classified as Uncertain Significance.